The following is an entry in ClinVar:

NM_021930.6(RINT1):c.126A>C (p.Gln42His)

Gene: RINT1 (RAD50 interactor 1; plus strand). Cytogenetic location: 7q22.3.
Variant type: single nucleotide variant.
Coding change: c.126A>C on transcript NM_021930.6 (MANE Select); coding-DNA position 126, A replaced by C.
Protein change: p.Gln42His; replaces glutamine 42 with histidine.
Molecular consequence: missense variant. On other transcripts: 5 prime UTR variant (3), non-coding transcript variant (1).
Genome position (GRCh38, 1-based): chr7:105,536,602, A>C. VCF-style: chr7-105536602-A-C. GRCh37 (hg19) VCF-style: chr7-105177049-A-C.
Other names: c.29A>C, p.Lys10Thr (NM_001346599.2); c.-894A>C (NM_001346600.2); c.-797A>C (NM_001346601.2); c.-417A>C (NM_001346603.2); short protein forms Q42H, K10T.
Identifiers: ClinVar variation 410788 (VCV000410788.12), dbSNP rs767609311, ClinGen allele CA4426355.

ClinVar aggregate classification (germline): Conflicting classifications of pathogenicity. Review status: criteria provided, conflicting classifications (1 of 4 stars). 2 submissions from 2 submitters: Uncertain significance (1); Likely benign (1). Last evaluated 2025-10-14.

Allele frequency attached by ClinVar (database versions not stated): gnomAD exomes below 0.00001 and 0.00001; ExAC 0.00001; gnomAD 0.00002; TOPMed 0.00002.
gnomAD v4.1: 9 of 1,605,114 alleles (0.00056%); highest among the groups gnomAD compares: East Asian, 0.0089%; no homozygotes.

Submissions (2):

Labcorp Genetics (formerly Invitae), Labcorp
Classification: Uncertain significance. Last evaluated: 2025-10-14. Review status: criteria provided, single submitter. Criteria: Invitae Variant Classification Sherloc (09022015). Collection method: clinical testing. Allele origin: germline.
Comment: This sequence change replaces glutamine, which is neutral and polar, with histidine, which is basic and polar, at codon 42 of the RINT1 protein (p.Gln42His). This variant is present in population databases (rs767609311, gnomAD 0.01%). This variant has not been reported in the literature in individuals affected with RINT1-related conditions. ClinVar contains an entry for this variant (Variation ID: 410788). An algorithm developed to predict the effect of missense changes on protein structure and function (PolyPhen-2) suggests that this variant is likely to be tolerated. In summary, the available evidence is currently insufficient to determine the role of this variant in disease. Therefore, it has been classified as a Variant of Uncertain Significance.

Ambry Genetics
Classification: Likely benign. Last evaluated: 2024-03-29. Review status: criteria provided, single submitter. Criteria: Ambry Variant Classification Scheme 2023. Collection method: clinical testing. Allele origin: germline.